The following is an entry in ClinVar:

NM_000179.3(MSH6):c.4012C>A (p.Leu1338Met)

Gene: MSH6 (mutS homolog 6; plus strand). Cytogenetic location: 2p16.3.
Variant type: single nucleotide variant.
Coding change: c.4012C>A on transcript NM_000179.3 (MANE Select); coding-DNA position 4012, C replaced by A.
Protein change: p.Leu1338Met; replaces leucine 1338 with methionine.
Molecular consequence: missense variant.
Genome position (GRCh38, 1-based): chr2:47,806,789, C>A. VCF-style: chr2-47806789-C-A. GRCh37 (hg19) VCF-style: chr2-48033928-C-A.
Other names: c.3622C>A, p.Leu1208Met (NM_001281492.2); c.3106C>A, p.Leu1036Met (NM_001281493.2, NM_001281494.2, NM_001406811.1 and 6 more transcripts); c.4108C>A, p.Leu1370Met (NM_001406795.1); c.4012C>A, p.Leu1338Met (NM_001406796.1, NM_001406809.1); c.3715C>A, p.Leu1239Met (NM_001406797.1, NM_001406805.1, NM_001406818.1 and 8 more transcripts); c.3838C>A, p.Leu1280Met (NM_001406798.1); c.3487C>A, p.Leu1163Met (NM_001406799.1, NM_001406806.1, NM_001406807.1); c.*33C>A (NM_001406800.1); and 11 more; short protein forms L1036M, L1282M, L287M, L1208M, L1280M, L265M, P1237H, L1050M.
Identifiers: ClinVar variation 1737027 (VCV001737027.2), dbSNP rs1060504743, ClinGen allele CA346761640.

ClinVar aggregate classification (germline): Uncertain significance (1 of 4 stars; one submission).

Conditions:
Hereditary cancer-predisposing syndrome. Also called: Neoplastic Syndromes, Hereditary; Tumor predisposition; Hereditary Cancer Syndrome; Hereditary neoplastic syndrome. Identifiers: Orphanet 140162, MedGen C0027672, MeSH D009386, MONDO:0015356.

Submission:

Ambry Genetics
Classification: Uncertain significance for Hereditary cancer-predisposing syndrome. Last evaluated: 2019-06-21. Review status: criteria provided, single submitter. Criteria: Ambry Variant Classification Scheme 2023. Collection method: clinical testing. Allele origin: germline.
Comment: The p.L1338M variant (also known as c.4012C>A), located in coding exon 10 of the MSH6 gene, results from a C to A substitution at nucleotide position 4012. The leucine at codon 1338 is replaced by methionine, an amino acid with highly similar properties. This amino acid position is well conserved in available vertebrate species. In addition, the in silico prediction for this alteration is inconclusive. Since supporting evidence is limited at this time, the clinical significance of this alteration remains unclear.